The following is an entry in ClinVar:

NM_017934.7(PHIP):c.1039G>A (p.Val347Ile)

Gene: PHIP (PHIP subunit of CUL4-Ring ligase complex; minus strand). Cytogenetic location: 6q14.1.
Variant type: single nucleotide variant.
Coding change: c.1039G>A on transcript NM_017934.7 (MANE Select); coding-DNA position 1039, G replaced by A.
Protein change: p.Val347Ile; replaces valine 347 with isoleucine.
Molecular consequence: missense variant.
Genome position (GRCh38, 1-based): chr6:79,017,539, C>T on the plus strand (G>A on the coding strand, the complement: PHIP is on the minus strand). VCF-style: chr6-79017539-C-T. GRCh37 (hg19) VCF-style: chr6-79727256-C-T.
Other names: c.1039G>A (NM_017934.6); short protein forms V347I.
Identifiers: ClinVar variation 1702574 (VCV001702574.4), dbSNP rs2127742342, ClinGen allele CA364636049.

ClinVar aggregate classification (germline): Uncertain significance. Review status: criteria provided, multiple submitters, no conflicts (2 of 4 stars). 2 submissions from 2 submitters: Uncertain significance (2). Last evaluated 2025-02-05.

Conditions:
PHIP-related disorder. Also called: PHIP-related condition; PHIP-related disorders.

Submissions (2):

GeneDx
Classification: Uncertain significance. Last evaluated: 2025-02-05. Review status: criteria provided, single submitter. Criteria: GeneDx Variant Classification Process June 2021. Collection method: clinical testing. Allele origin: germline.
Comment: Not observed at significant frequency in large population cohorts (gnomAD); In silico analysis indicates that this missense variant does not alter protein structure/function; Has not been previously published as pathogenic or benign to our knowledge

PreventionGenetics, part of Exact Sciences
Classification: Uncertain significance for PHIP-related condition. Last evaluated: 2025-01-15. Review status: criteria provided, single submitter. Criteria: ACMG Guidelines, 2015. Collection method: clinical testing. Allele origin: germline.
Comment: The PHIP c.1039G>A variant is predicted to result in the amino acid substitution p.Val347Ile. To our knowledge, this variant has not been reported in the literature or in a large population database (gnomAD), indicating this variant is rare. At this time, the clinical significance of this variant is uncertain due to the absence of conclusive functional and genetic evidence.